The following is an entry in ClinVar:

ClinVar aggregate classification (germline): Uncertain significance (1 of 4 stars; one submission).

gnomAD v4.1: 3 of 1,613,354 alleles (0.00019%); highest among the groups gnomAD compares: Non-Finnish European, 0.00025%; no homozygotes.

Submission:

Labcorp Genetics (formerly Invitae), Labcorp
Classification: Uncertain significance. Last evaluated: 2025-06-24. Review status: criteria provided, single submitter. Criteria: Invitae Variant Classification Sherloc (09022015). Collection method: clinical testing. Allele origin: germline.
Comment: This sequence change replaces glutamic acid, which is acidic and polar, with glutamine, which is neutral and polar, at codon 459 of the CFB protein (p.Glu459Gln). This variant is not present in population databases (gnomAD no frequency). This variant has not been reported in the literature in individuals affected with CFB-related conditions. Invitae Evidence Modeling of protein sequence and biophysical properties (such as structural, functional, and spatial information, amino acid conservation, physicochemical variation, residue mobility, and thermodynamic stability) indicates that this missense variant is not expected to disrupt CFB protein function with a negative predictive value of 80%. In summary, the available evidence is currently insufficient to determine the role of this variant in disease. Therefore, it has been classified as a Variant of Uncertain Significance.

NM_001710.6(CFB):c.1375G>C (p.Glu459Gln)

Gene: CFB (complement factor B; plus strand). Cytogenetic location: 6p21.33.
Variant type: single nucleotide variant.
Coding change: c.1375G>C on transcript NM_001710.6 (MANE Select); coding-DNA position 1375, G replaced by C.
Protein change: p.Glu459Gln; replaces glutamic acid 459 with glutamine.
Molecular consequence: missense variant.
Genome position (GRCh38, 1-based): chr6:31,949,524, G>C. VCF-style: chr6-31949524-G-C. GRCh37 (hg19) VCF-style: chr6-31917301-G-C.
Other names: short protein forms E459Q.
Identifiers: ClinVar variation 4779698 (VCV004779698.1).